The following is an entry in ClinVar:

NM_000195.5(HPS1):c.2024T>C (p.Ile675Thr)

Gene: HPS1 (HPS1 biogenesis of lysosomal organelles complex 3 subunit 1; minus strand). Cytogenetic location: 10q24.2.
Variant type: single nucleotide variant.
Coding change: c.2024T>C on transcript NM_000195.5 (MANE Select); coding-DNA position 2024, T replaced by C.
Protein change: p.Ile675Thr; replaces isoleucine 675 with threonine.
Molecular consequence: missense variant.
Genome position (GRCh38, 1-based): chr10:98,417,643, A>G on the plus strand (T>C on the coding strand, the complement: HPS1 is on the minus strand). VCF-style: chr10-98417643-A-G. GRCh37 (hg19) VCF-style: chr10-100177400-A-G.
Other names: c.1052T>C, p.Ile351Thr (NM_001311345.2, NM_001322487.2, NM_001322489.2); c.2024T>C, p.Ile675Thr (NM_001322476.2, NM_001322477.2); c.1925T>C, p.Ile642Thr (NM_001322478.2, NM_001322479.2); c.1763T>C, p.Ile588Thr (NM_001322480.2, NM_001322481.2); c.1664T>C, p.Ile555Thr (NM_001322482.2); c.1655T>C, p.Ile552Thr (NM_001322483.2, NM_001322484.2); c.1556T>C, p.Ile519Thr (NM_001322485.2); short protein forms I675T, I351T, I552T, I642T, I519T, I555T, I588T.
Identifiers: ClinVar variation 3714494 (VCV003714494.2).

ClinVar aggregate classification (germline): Uncertain significance (1 of 4 stars; one submission).

gnomAD v4.1: 1 of 1,613,602 alleles (0.000062%); highest among the groups gnomAD compares: Non-Finnish European, 0.000085%; no homozygotes.

Submission:

Labcorp Genetics (formerly Invitae), Labcorp
Classification: Uncertain significance. Last evaluated: 2025-05-19. Review status: criteria provided, single submitter. Criteria: Invitae Variant Classification Sherloc (09022015). Collection method: clinical testing. Allele origin: germline.
Comment: This sequence change replaces isoleucine, which is neutral and non-polar, with threonine, which is neutral and polar, at codon 675 of the HPS1 protein (p.Ile675Thr). This variant is not present in population databases (gnomAD no frequency). This variant has not been reported in the literature in individuals affected with HPS1-related conditions. ClinVar contains an entry for this variant (Variation ID: 3714494). Invitae Evidence Modeling of protein sequence and biophysical properties (such as structural, functional, and spatial information, amino acid conservation, physicochemical variation, residue mobility, and thermodynamic stability) indicates that this missense variant is not expected to disrupt HPS1 protein function with a negative predictive value of 95%. In summary, the available evidence is currently insufficient to determine the role of this variant in disease. Therefore, it has been classified as a Variant of Uncertain Significance.